The following is an entry in ClinVar:

ClinVar aggregate classification (germline): Uncertain significance. Review status: criteria provided, multiple submitters, no conflicts (2 of 4 stars). 2 submissions from 2 submitters: Uncertain significance (2). Last evaluated 2025-03-07.

Conditions:
Hereditary nonpolyposis colorectal neoplasms. Identifiers: MedGen C0009405, MeSH D003123.
Hereditary cancer-predisposing syndrome. Also called: Neoplastic Syndromes, Hereditary; Tumor predisposition; Hereditary Cancer Syndrome; Hereditary neoplastic syndrome. Identifiers: Orphanet 140162, MedGen C0027672, MeSH D009386, MONDO:0015356.

Submissions (2):

Labcorp Genetics (formerly Invitae), Labcorp
Classification: Uncertain significance for Hereditary nonpolyposis colorectal neoplasms. Last evaluated: 2025-03-07. Review status: criteria provided, single submitter. Criteria: Invitae Variant Classification Sherloc (09022015). Collection method: clinical testing. Allele origin: germline.
Comment: This sequence change replaces serine, which is neutral and polar, with proline, which is neutral and non-polar, at codon 621 of the PMS2 protein (p.Ser621Pro). This variant is not present in population databases (gnomAD no frequency). This variant has not been reported in the literature in individuals affected with PMS2-related conditions. ClinVar contains an entry for this variant (Variation ID: 1781519). Invitae Evidence Modeling incorporating data from in vitro experimental studies (internal data) indicates that this missense variant is not expected to disrupt PMS2 function with a negative predictive value of 95%. In summary, the available evidence is currently insufficient to determine the role of this variant in disease. Therefore, it has been classified as a Variant of Uncertain Significance.

Ambry Genetics
Classification: Uncertain significance for Hereditary cancer-predisposing syndrome. Last evaluated: 2022-09-06. Review status: criteria provided, single submitter. Criteria: Ambry Variant Classification Scheme 2023. Collection method: clinical testing. Allele origin: germline.
Comment: The p.S621P variant (also known as c.1861T>C), located in coding exon 11 of the PMS2 gene, results from a T to C substitution at nucleotide position 1861. The serine at codon 621 is replaced by proline, an amino acid with similar properties. This amino acid position is conserved. In addition, this alteration is predicted to be deleterious by in silico analysis. Since supporting evidence is limited at this time, the clinical significance of this alteration remains unclear.

NM_000535.7(PMS2):c.1861T>C (p.Ser621Pro)

Gene: PMS2 (PMS1 homolog 2, mismatch repair system component; minus strand). Cytogenetic location: 7p22.1.
Variant type: single nucleotide variant.
Coding change: c.1861T>C on transcript NM_000535.7 (MANE Select); coding-DNA position 1861, T replaced by C.
Protein change: p.Ser621Pro; replaces serine 621 with proline.
Molecular consequence: missense variant. On other transcripts: non-coding transcript variant (1).
Genome position (GRCh38, 1-based): chr7:5,986,904, A>G on the plus strand (T>C on the coding strand, the complement: PMS2 is on the minus strand). VCF-style: chr7-5986904-A-G. GRCh37 (hg19) VCF-style: chr7-6026535-A-G.
Other names: c.1456T>C, p.Ser486Pro (NM_001018040.1, NM_001322003.2, NM_001322004.2 and 17 more transcripts); c.1705T>C, p.Ser569Pro (NM_001322006.2, NM_001406870.1); c.1543T>C, p.Ser515Pro (NM_001322007.2, NM_001322008.2, NM_001406876.1 and 2 more transcripts); c.1300T>C, p.Ser434Pro (NM_001322010.2, NM_001406906.1, NM_001406907.1); c.928T>C, p.Ser310Pro (NM_001322011.2, NM_001322012.2); c.1288T>C, p.Ser430Pro (NM_001322013.2, NM_001406909.1); c.1861T>C, p.Ser621Pro (NM_001322014.2, NM_001406871.1, NM_001406872.1); c.1552T>C, p.Ser518Pro (NM_001322015.2, NM_001406875.1, NM_001406877.1 and 5 more transcripts); and 12 more; short protein forms S364P, S509P, S513P, S518P, S629P, S450P, S463P, S569P.
Identifiers: ClinVar variation 1781519 (VCV001781519.3), dbSNP rs2128722191, ClinGen allele CA366739540.